The following is an entry in ClinVar:

NM_006031.6(PCNT):c.6072C>T (p.Thr2024=)

Gene: PCNT (pericentrin; plus strand). Cytogenetic location: 21q22.3.
Variant type: single nucleotide variant.
Coding change: c.6072C>T on transcript NM_006031.6 (MANE Select); coding-DNA position 6072, C replaced by T.
Protein change: p.Thr2024=; no amino-acid change (threonine 2024 retained).
Molecular consequence: synonymous variant.
Genome position (GRCh38, 1-based): chr21:46,412,914, C>T. VCF-style: chr21-46412914-C-T. GRCh37 (hg19) VCF-style: chr21-47832828-C-T.
Other names: c.5718C>T, p.Thr1906= (NM_001315529.2).
Identifiers: ClinVar variation 385874 (VCV000385874.43), dbSNP rs143671774, ClinGen allele CA10080194.

ClinVar aggregate classification (germline): Conflicting classifications of pathogenicity. Review status: criteria provided, conflicting classifications (1 of 4 stars). 7 submissions from 7 submitters: Uncertain significance (1); Likely benign (5). 1 of the submissions does not count toward it. Last evaluated 2026-01-28.

Conditions:
PCNT-related disorder. Also called: PCNT-related condition.
Microcephalic osteodysplastic primordial dwarfism type II (MOPD2). Also called: Microcephalic osteodysplastic primordial dwarfism with tooth abnormalities; OSTEODYSPLASTIC PRIMORDIAL DWARFISM, TYPE II; MOPD II. Identifiers: Orphanet 2637, MedGen C0432246, MONDO:0008872, OMIM 210720.

Allele frequency attached by ClinVar (database versions not stated): 1000 Genomes Project 30x 0.00016; 1000 Genomes Project 0.00020; gnomAD exomes 0.00037 and 0.00080; gnomAD 0.00043; ExAC 0.00045; ESP Exome Variant Server 0.00046; TOPMed 0.00046.
gnomAD v4.1: 1,213 of 1,612,730 alleles (0.075%); highest among the groups gnomAD compares: Non-Finnish European, 0.098%; 2 homozygotes.

Submissions (7):

Labcorp Genetics (formerly Invitae), Labcorp
Classification: Likely benign. Last evaluated: 2026-01-28. Review status: criteria provided, single submitter. Criteria: Invitae Variant Classification Sherloc (09022015). Collection method: clinical testing. Allele origin: germline.

CeGaT Center for Human Genetics Tuebingen
Classification: Likely benign. Last evaluated: 2025-09-01. Review status: criteria provided, single submitter. Criteria: CeGaT Center For Human Genetics Tuebingen Variant Classification Criteria Version 2. Collection method: clinical testing. Allele origin: germline. Affected: yes. Observed: 2 variant alleles.
Comment: PCNT: BP4, BP7

Blueprint Genetics
Classification: Likely benign. Last evaluated: 2024-10-04. Review status: criteria provided, single submitter. Criteria: ACMG Guidelines, 2015. Collection method: clinical testing. Allele origin: germline.

Genetic Services Laboratory, University of Chicago
Classification: Likely benign. Last evaluated: 2020-01-09. Review status: criteria provided, single submitter. Criteria: ACMG Guidelines, 2015. Collection method: clinical testing. Allele origin: germline. Affected: no.

Illumina Laboratory Services, Illumina
Classification: Uncertain significance for Microcephalic osteodysplastic primordial dwarfism type II. Last evaluated: 2018-01-13. Review status: criteria provided, single submitter. Criteria: ICSL Variant Classification Criteria 13 December 2019. Collection method: clinical testing. Allele origin: germline.

GeneDx
Classification: Likely benign. Last evaluated: 2016-05-12. Review status: criteria provided, single submitter. Criteria: GeneDx Variant Classification (06012015). Collection method: clinical testing. Allele origin: germline. Affected: yes.
Comment: This variant is considered likely benign or benign based on one or more of the following criteria: it is a conservative change, it occurs at a poorly conserved position in the protein, it is predicted to be benign by multiple in silico algorithms, and/or has population frequency not consistent with disease.

PreventionGenetics, part of Exact Sciences
Classification: Likely benign for PCNT-related condition. Last evaluated: 2021-08-19. Review status: no assertion criteria provided. Collection method: clinical testing. Allele origin: germline. Not counted in ClinVar's aggregate classification.
Comment: This variant is classified as likely benign based on ACMG/AMP sequence variant interpretation guidelines (Richards et al. 2015 PMID: 25741868, with internal and published modifications).